The following is an entry in ClinVar:

ClinVar aggregate classification (germline): Uncertain significance (1 of 4 stars; one submission).

Allele frequency attached by ClinVar (database versions not stated): TOPMed 0.00002; gnomAD 0.00001; ExAC 0.00005; gnomAD exomes 0.00001.
gnomAD v4.1: 14 of 1,175,096 alleles (0.0012%); highest among the groups gnomAD compares: Middle Eastern, 0.047%; no homozygotes.

Submission:

Labcorp Genetics (formerly Invitae), Labcorp
Classification: Uncertain significance. Last evaluated: 2025-10-02. Review status: criteria provided, single submitter. Criteria: Invitae Variant Classification Sherloc (09022015). Collection method: clinical testing. Allele origin: germline.
Comment: This sequence change replaces asparagine, which is neutral and polar, with serine, which is neutral and polar, at codon 1275 of the CACNA1F protein (p.Asn1275Ser). This variant is present in population databases (rs782649613, gnomAD 0.01%). This variant has not been reported in the literature in individuals affected with CACNA1F-related conditions. ClinVar contains an entry for this variant (Variation ID: 2904840). An algorithm developed to predict the effect of missense changes on protein structure and function (PolyPhen-2) suggests that this variant is likely to be tolerated. Algorithms developed to predict the effect of sequence changes on RNA splicing suggest that this variant may disrupt the consensus splice site. In summary, the available evidence is currently insufficient to determine the role of this variant in disease. Therefore, it has been classified as a Variant of Uncertain Significance.

NM_001256789.3(CACNA1F):c.3791A>G (p.Asn1264Ser)

Gene: CACNA1F (calcium voltage-gated channel subunit alpha1 F; minus strand). Cytogenetic location: Xp11.23.
Variant type: single nucleotide variant.
Coding change: c.3791A>G on transcript NM_001256789.3 (MANE Select); coding-DNA position 3791, A replaced by G.
Protein change: p.Asn1264Ser; replaces asparagine 1264 with serine.
Molecular consequence: missense variant.
Genome position (GRCh38, 1-based): chrX:49,213,820, T>C on the plus strand (A>G on the coding strand, the complement: CACNA1F is on the minus strand). VCF-style: chrX-49213820-T-C. GRCh37 (hg19) VCF-style: chrX-49070280-T-C.
Other names: c.3629A>G, p.Asn1210Ser (NM_001256790.3); c.3824A>G, p.Asn1275Ser (NM_005183.4); short protein forms N1210S, N1264S, N1275S.
Identifiers: ClinVar variation 2904840 (VCV002904840.3), dbSNP rs782649613, ClinGen allele CA10410374.